The following is an entry in ClinVar:

NM_001161403.3(LIMS2):c.385C>T (p.Arg129Cys)

Gene: LIMS2 (LIM zinc finger domain containing 2; minus strand). Cytogenetic location: 2q14.3.
Variant type: single nucleotide variant.
Coding change: c.385C>T on transcript NM_001161403.3 (MANE Select); coding-DNA position 385, C replaced by T.
Protein change: p.Arg129Cys; replaces arginine 129 with cysteine.
Molecular consequence: missense variant. On other transcripts: 5 prime UTR variant (1).
Genome position (GRCh38, 1-based): chr2:127,643,047, G>A on the plus strand (C>T on the coding strand, the complement: LIMS2 is on the minus strand). VCF-style: chr2-127643047-G-A. GRCh37 (hg19) VCF-style: chr2-128400622-G-A.
Other names: c.451C>T, p.Arg151Cys (NM_001136037.4); c.370C>T, p.Arg124Cys (NM_001161404.2); c.-72C>T (NM_001256542.2); c.457C>T, p.Arg153Cys (NM_017980.5); short protein forms R124C, R153C, R151C, R129C.
Identifiers: ClinVar variation 260986 (VCV000260986.39), dbSNP rs145123078, ClinGen allele CA1863067.
Genomic context (GRCh38, chr2:127,643,047, plus strand): 5'-CGTCGATGACCAGGTGGCACCGCTGGCAGATGTACTTGCCCAGGCCCTTGGCCTTCTCAC[G>A]GTTGTGGCAAGGCCGGCAGAGATGCCTGCGGGAGGCGGGGGCATTAGGGGCAGAGCCCCC-3'
Protein context (NP_001154875.1, residues 119-139): GRHLCRPCHN[Arg129Cys]EKAKGLGKYI

ClinVar aggregate classification (germline): Benign/Likely benign. Review status: criteria provided, multiple submitters, no conflicts (2 of 4 stars). 5 submissions from 5 submitters: Benign (2); Likely benign (3). Last evaluated 2026-09-01.

Conditions:
LIMS2-related disorder. Also called: LIMS2-related condition.
Autosomal recessive limb-girdle muscular dystrophy type 2W (MDRCMTT). Also called: Muscular dystrophy, autosomal recessive, with cardiomyopathy and triangular tongue; Muscular dystrophy, limb-girdle, type 2W. Identifiers: MedGen C4225192, MONDO:0014788, OMIM 616827.

Allele frequency attached by ClinVar (database versions not stated): 1000 Genomes Project 0.00319; 1000 Genomes Project 30x 0.00375; TOPMed 0.00484; gnomAD exomes 0.00504; ESP Exome Variant Server 0.00524; gnomAD 0.00587; ExAC 0.00874.
gnomAD v4.1: 8,156 of 1,585,184 alleles (0.51%); highest among the groups gnomAD compares: African/African-American, 0.66%; 29 homozygotes.

Submissions (5):

CeGaT Center for Human Genetics Tuebingen
Classification: Likely benign. Last evaluated: 2026-09-01. Review status: criteria provided, single submitter. Criteria: CeGaT Center For Human Genetics Tuebingen Variant Classification Criteria Version 2. Collection method: clinical testing. Allele origin: germline. Affected: yes. Observed: 5 variant alleles.
Comment: LIMS2: BS2

Labcorp Genetics (formerly Invitae), Labcorp
Classification: Benign for Autosomal recessive limb-girdle muscular dystrophy type 2W. Last evaluated: 2026-02-01. Review status: criteria provided, single submitter. Criteria: Invitae Variant Classification Sherloc (09022015). Collection method: clinical testing. Allele origin: germline.

PreventionGenetics, part of Exact Sciences
Classification: Benign for LIMS2-related condition. Last evaluated: 2025-07-30. Review status: criteria provided, single submitter. Criteria: ACMG Guidelines, 2015. Collection method: clinical testing. Allele origin: germline.
Comment: This variant is classified as benign based on ACMG/AMP sequence variant interpretation guidelines (Richards et al. 2015 PMID: 25741868, with internal and published modifications).

Blueprint Genetics
Classification: Likely benign. Last evaluated: 2024-11-25. Review status: criteria provided, single submitter. Criteria: ACMG Guidelines, 2015. Collection method: clinical testing. Allele origin: germline.

Breakthrough Genomics
Classification: Likely benign. Review status: criteria provided, single submitter. Criteria: ACMG Guidelines, 2015. Collection method: not provided. Allele origin: germline. Inheritance: Autosomal recessive inheritance. Affected: yes.